The following is an entry in ClinVar:

NM_001369.3(DNAH5):c.8477del (p.Cys2826fs)

Gene: DNAH5 (dynein axonemal heavy chain 5; minus strand). Cytogenetic location: 5p15.2.
Variant type: Deletion.
Coding change: c.8477del on transcript NM_001369.3 (MANE Select); coding-DNA position 8477, one base deleted (G; older notation c.8477delG).
Protein change: p.Cys2826fs; shifts the reading frame from cysteine 2826.
Molecular consequence: frameshift variant.
Genome position (GRCh38, 1-based): chr5:13,788,886, C deleted on the plus strand (G on the coding strand, the reverse complement: DNAH5 is on the minus strand). VCF-style (leftmost placement, unchanged base first): chr5-13788885-AC-A. GRCh37 (hg19) VCF-style: chr5-13788994-AC-A.
Other names: short protein forms C2826fs.
Identifiers: ClinVar variation 2030395 (VCV002030395.4), dbSNP rs2546724583, ClinGen allele CA2580072052.

ClinVar aggregate classification (germline): Pathogenic (1 of 4 stars; one submission).

Conditions:
Primary ciliary dyskinesia. Also called: Ciliary dyskinesia. Identifiers: Orphanet 244, MedGen C0008780, MONDO:0016575, HP:0012265.

Allele frequency attached by ClinVar (database versions not stated): gnomAD exomes below 0.00001.

Submission:

Labcorp Genetics (formerly Invitae), Labcorp
Classification: Pathogenic for Primary ciliary dyskinesia. Last evaluated: 2022-09-14. Review status: criteria provided, single submitter. Criteria: Invitae Variant Classification Sherloc (09022015). Collection method: clinical testing. Allele origin: germline.
Comment: This sequence change creates a premature translational stop signal (p.Cys2826Leufs*5) in the DNAH5 gene. It is expected to result in an absent or disrupted protein product. Loss-of-function variants in DNAH5 are known to be pathogenic (PMID: 11788826, 16627867). This variant is not present in population databases (gnomAD no frequency). This variant has not been reported in the literature in individuals affected with DNAH5-related conditions. For these reasons, this variant has been classified as Pathogenic.

Literature cited by the submitters: PubMed 11788826; PubMed 16627867.